The following is an entry in ClinVar:

ClinVar aggregate classification (germline): Benign/Likely benign. Review status: criteria provided, multiple submitters, no conflicts (2 of 4 stars). 7 submissions from 7 submitters: Benign (1); Likely benign (6). Last evaluated 2026-04-29.

Conditions:
Osteogenesis imperfecta type I (OI1). Also called: OSTEOGENESIS IMPERFECTA WITH BLUE SCLERAE; Osteogenesis imperfecta type 1; Lobstein's Disease; OI, TYPE I; OSTEOGENESIS IMPERFECTA TARDA; Classic Non-deforming Osteogenesis Imperfecta with Blue Sclerae. Identifiers: Orphanet 216796, Orphanet 666, MedGen C0023931, MONDO:0008146, OMIM 166200. Disease mechanism: loss of function.
COL1A1-related disorder. Also called: COL1A1- related disease; COL1A1-related condition.
Cardiovascular phenotype. Identifiers: MedGen CN230736.

Allele frequency attached by ClinVar (database versions not stated): ExAC 0.00003; gnomAD 0.00003 and 0.00004; gnomAD exomes 0.00003; TOPMed 0.00003.

Submissions (7):

Women's Health and Genetics/Laboratory Corporation of America, LabCorp
Classification: Likely benign. Last evaluated: 2026-04-29. Review status: criteria provided, single submitter. Criteria: LabCorp Variant Classification Summary - May 2015. Collection method: clinical testing. Allele origin: germline.
Comment: Variant summary: COL1A1 c.1930-5T>C alters a non-conserved nucleotide located at a position not widely known to affect splicing. Consensus agreement among computation tools predict no significant impact on normal splicing. However, these predictions have yet to be confirmed by functional studies. The variant allele was found at a frequency of 3.2e-05 in 251182 control chromosomes. The available data on variant occurrences in the general population are insufficient to allow any conclusion about variant significance. To our knowledge, no occurrence of c.1930-5T>C in individuals affected with COL1A1-related conditions and no experimental evidence demonstrating its impact on protein function have been reported. ClinVar contains an entry for this variant (Variation ID: 511388). Based on the evidence outlined above, the variant was classified as likely benign.

PreventionGenetics, part of Exact Sciences
Classification: Likely benign for COL1A1-related condition. Last evaluated: 2026-03-30. Review status: criteria provided, single submitter. Criteria: ACMG Guidelines, 2015. Collection method: clinical testing. Allele origin: germline.
Comment: This variant is classified as likely benign based on ACMG/AMP sequence variant interpretation guidelines (Richards et al. 2015 PMID: 25741868, with internal and published modifications).

Labcorp Genetics (formerly Invitae), Labcorp
Classification: Likely benign for Osteogenesis imperfecta type I. Last evaluated: 2025-09-15. Review status: criteria provided, single submitter. Criteria: Invitae Variant Classification Sherloc (09022015). Collection method: clinical testing. Allele origin: germline.

ARUP Laboratories, Molecular Genetics and Genomics, ARUP Laboratories
Classification: Likely benign. Last evaluated: 2025-07-18. Review status: criteria provided, single submitter. Criteria: ARUP Molecular Germline Variant Investigation Process 2024. Collection method: clinical testing. Allele origin: germline.

Ambry Genetics
Classification: Benign for Cardiovascular phenotype. Last evaluated: 2025-01-24. Review status: criteria provided, single submitter. Criteria: Ambry Variant Classification Scheme 2023. Collection method: clinical testing. Allele origin: germline.

Blueprint Genetics
Classification: Likely benign. Last evaluated: 2024-09-11. Review status: criteria provided, single submitter. Criteria: ACMG Guidelines, 2015. Collection method: clinical testing. Allele origin: germline.

GeneDx
Classification: Likely benign. Last evaluated: 2019-06-25. Review status: criteria provided, single submitter. Criteria: GeneDx Variant Classification Process June 2021. Collection method: clinical testing. Allele origin: germline. Affected: yes.

NM_000088.4(COL1A1):c.1930-5T>C

Gene: COL1A1 (collagen type I alpha 1 chain; minus strand). Cytogenetic location: 17q21.33.
Variant type: single nucleotide variant.
Coding change: c.1930-5T>C on transcript NM_000088.4 (MANE Select); 5 bases into the intron before coding-DNA position 1930, T replaced by C.
Molecular consequence: intron variant.
Genome position (GRCh38, 1-based): chr17:50,192,533, A>G on the plus strand (T>C on the coding strand, the complement: COL1A1 is on the minus strand). VCF-style: chr17-50192533-A-G. GRCh37 (hg19) VCF-style: chr17-48269894-A-G.
Identifiers: ClinVar variation 511388 (VCV000511388.21), dbSNP rs762377921, ClinGen allele CA8645003.
Genomic context (GRCh38, chr17:50,192,533, plus strand): 5'-ACCTGTTCACCAGGTTTGCCTGCTTCACCTGGAGGACCAGCAGGACCAGGGAGACCCTGT[A>G]GGTGGGAAATGGGGGAAGAAGGGAGGGAAGGTTTAGAATCTGGAAGAGACCAAAGAGGTG-3'